The following is an entry in ClinVar:

NM_001319074.4(RAX2):c.141_142delinsAT (p.Ala48Ser)

Gene: RAX2 (retina and anterior neural fold homeobox 2; minus strand). Cytogenetic location: 19p13.3.
Variant type: Indel.
Coding change: c.141_142delinsAT on transcript NM_001319074.4 (MANE Select); coding-DNA positions 141 to 142, GG replaced by AT.
Protein change: p.Ala48Ser; replaces alanine 48 with serine.
Molecular consequence: missense variant.
Genome position (GRCh38, 1-based): chr19:3,771,601-3,771,602, CC replaced by AT on the plus strand (GG replaced by AT on the coding strand, the reverse complement: RAX2 is on the minus strand). VCF-style: chr19-3771601-CC-AT. GRCh37 (hg19) VCF-style: chr19-3771599-CC-AT.
Other names: c.141_142delinsAT, p.Ala48Ser (NM_032753.4); short protein forms A48S.
Identifiers: ClinVar variation 1508113 (VCV001508113.6), dbSNP rs2145737277, ClinGen allele CA2573155804.

ClinVar aggregate classification (germline): Uncertain significance (1 of 4 stars; one submission).

Submission:

Labcorp Genetics (formerly Invitae), Labcorp
Classification: Uncertain significance. Last evaluated: 2025-12-08. Review status: criteria provided, single submitter. Criteria: Invitae Variant Classification Sherloc (09022015). Collection method: clinical testing. Allele origin: germline.
Comment: This sequence change replaces alanine with serine at codon 48 of the RAX2 protein (p.Ala48Ser). The alanine residue is highly conserved and there is a moderate physicochemical difference between alanine and serine. Information on the frequency of this variant in the gnomAD database is not available, as this variant may be reported differently in the database. This variant has not been reported in the literature in individuals affected with RAX2-related conditions. ClinVar contains an entry for this variant (Variation ID: 1508113). Experimental studies and prediction algorithms are not available or were not evaluated, and the functional significance of this variant is currently unknown. In summary, the available evidence is currently insufficient to determine the role of this variant in disease. Therefore, it has been classified as a Variant of Uncertain Significance.